The following is an entry in ClinVar:

NM_000142.5(FGFR3):c.2294C>T (p.Ala765Val)

Gene: FGFR3 (fibroblast growth factor receptor 3; plus strand). Cytogenetic location: 4p16.3.
Variant type: single nucleotide variant.
Coding change: c.2294C>T on transcript NM_000142.5 (MANE Select); coding-DNA position 2294, C replaced by T.
Protein change: p.Ala765Val; replaces alanine 765 with valine.
Molecular consequence: missense variant. On other transcripts: synonymous variant (1), non-coding transcript variant (1).
Genome position (GRCh38, 1-based): chr4:1,807,135, C>T. VCF-style: chr4-1807135-C-T. GRCh37 (hg19) VCF-style: chr4-1808862-C-T.
Other names: c.2300C>T, p.Ala767Val (NM_001163213.2); c.2297C>T, p.Ala766Val (NM_001354809.2); c.2226C>T, p.Gly742= (NM_001354810.2); c.1958C>T, p.Ala653Val (NM_022965.4); short protein forms A767V, A765V, A766V, A653V.
Identifiers: ClinVar variation 533891 (VCV000533891.10), dbSNP rs140211846, ClinGen allele CA2810826.

ClinVar aggregate classification (germline): Uncertain significance. Review status: criteria provided, multiple submitters, no conflicts (2 of 4 stars). 3 submissions from 3 submitters: Uncertain significance (3). Last evaluated 2026-04-21.

Conditions:
Achondroplasia (ACH). Also called: Achondroplastic dwarfism. Identifiers: Orphanet 15, MedGen C0001080, MONDO:0007037, OMIM 100800. Disease mechanism: gain of function.
Colorectal cancer. Also called: Malignant Colorectal Neoplasm; Colorectal cancer, somatic. Identifiers: MedGen C0346629, MONDO:0005575, OMIM 114500.
Hypochondroplasia (HCH). Identifiers: Orphanet 429, MedGen C0410529, MONDO:0007793, OMIM 146000. Disease mechanism: gain of function.
Germ cell tumor of testis (TGCT). Also called: GERM CELL TUMOR, SOMATIC; Testicular germ cell tumor. Identifiers: Orphanet 363504, MedGen C1336708, MONDO:0010108, OMIM 273300.
Camptodactyly-tall stature-scoliosis-hearing loss syndrome. Also called: CATSHL SYNDROME. Identifiers: Orphanet 85164, MedGen C1864852, MONDO:0012504, OMIM 610474.
Cervical cancer. Also called: Cervix cancer; Cancer of cervix; Cervical cancer, somatic. Identifiers: MedGen C4048328, MONDO:0002974, OMIM 603956, HP:0030079.
Crouzon syndrome-acanthosis nigricans syndrome. Also called: CROUZONODERMOSKELETAL SYNDROME. Identifiers: Orphanet 93262, MedGen C2677099, MONDO:0012833, OMIM 612247.
Thanatophoric dysplasia type 1 (TD1). Also called: LETHAL SHORT-LIMBED PLATYSPONDYLIC DWARFISM, SAN DIEGO TYPE; Thanatophoric Dysplasia Type 1 (TD Type 1); PLATYSPONDYLIC LETHAL SKELETAL DYSPLASIA, SAN DIEGO TYPE. Identifiers: Orphanet 1860, Orphanet 2655, MedGen C1868678, MONDO:0008546, OMIM 187600. Disease mechanism: gain of function.
Thanatophoric dysplasia, type 2 (TD2). Also called: THANATOPHORIC DYSPLASIA WITH KLEEBLATTSCHAEDEL; THANATOPHORIC DYSPLASIA WITH STRAIGHT FEMURS AND CLOVERLEAF SKULL; Thanatophoric Dysplasia Type 2 (TD Type 2); CLOVERLEAF SKULL WITH THANATOPHORIC DWARFISM. Identifiers: Orphanet 2655, Orphanet 93274, MedGen C1300257, MONDO:0008547, OMIM 187601. Disease mechanism: gain of function.
Epidermal nevus. Also called: NEVUS, KERATINOCYTIC, NONEPIDERMOLYTIC; Nevus, epidermal, somatic. Identifiers: Orphanet 79414, MedGen C0334082, MONDO:0008093, OMIM 162900, HP:0010816.
Lacrimoauriculodentodigital syndrome 2 (LADD2). Also called: LADD SYNDROME 2. Identifiers: MedGen C5774286, MONDO:0859577, OMIM 620192.
Severe achondroplasia-developmental delay-acanthosis nigricans syndrome. Also called: Severe achondroplasia with developmental delay and acanthosis nigricans; SADDAN dysplasia. Identifiers: Orphanet 85165, MedGen C2674173, MONDO:0014658, OMIM 616482.
Muenke syndrome (MNKES). Also called: MUENKE NONSYNDROMIC CORONAL CRANIOSYNOSTOSIS. Identifiers: Orphanet 53271, MedGen C1864436, MONDO:0011274, OMIM 602849.
Malignant tumor of urinary bladder. Also called: Bladder cancer; Urinary Bladder Neoplasms; Urinary bladder cancer. Identifiers: MedGen C0005684, MONDO:0001187, OMIM 109800.

Allele frequency attached by ClinVar (database versions not stated): gnomAD 0.00002 and 0.00004; TOPMed 0.00004; gnomAD exomes 0.00005 and 0.00006; ESP Exome Variant Server 0.00008; ExAC 0.00012.
gnomAD v4.1: 74 of 1,590,726 alleles (0.0047%); highest among the groups gnomAD compares: East Asian, 0.016%; no homozygotes.

Submissions (3):

Women's Health and Genetics/Laboratory Corporation of America, LabCorp
Classification: Uncertain significance. Last evaluated: 2026-04-21. Review status: criteria provided, single submitter. Criteria: LabCorp Variant Classification Summary - May 2015. Collection method: clinical testing. Allele origin: germline.
Comment: Variant summary: FGFR3 c.2294C>T (p.Ala765Val) results in a non-conservative amino acid change in the encoded protein sequence. Algorithms developed to predict the effect of missense changes on protein structure and function are either unavailable or do not agree on the potential impact of this missense change. The variant allele was found at a frequency of 6.4e-05 in 204456 control chromosomes. This frequency is not significantly higher than estimated for disease-causing variants in FGFR3, allowing no conclusion about variant significance. To our knowledge, no occurrence of c.2294C>T in individuals affected with FGFR3-related conditions and no experimental evidence demonstrating its impact on protein function have been reported. ClinVar contains an entry for this variant (Variation ID: 533891). Based on the evidence outlined above, the variant was classified as uncertain significance.

Fulgent Genetics
Classification: Uncertain significance for Achondroplasia; Malignant tumor of urinary bladder; Colorectal cancer; Hypochondroplasia; Epidermal nevus; Thanatophoric dysplasia type 1; Thanatophoric dysplasia, type 2; Germ cell tumor of testis; Muenke syndrome; Cervical cancer; Camptodactyly-tall stature-scoliosis-hearing loss syndrome; Crouzon syndrome-acanthosis nigricans syndrome; Severe achondroplasia-developmental delay-acanthosis nigricans syndrome; Lacrimoauriculodentodigital syndrome 2. Last evaluated: 2024-06-19. Review status: criteria provided, single submitter. Criteria: ACMG Guidelines, 2015. Collection method: clinical testing. Allele origin: germline.

Labcorp Genetics (formerly Invitae), Labcorp
Classification: Uncertain significance. Last evaluated: 2021-08-31. Review status: criteria provided, single submitter. Criteria: Invitae Variant Classification Sherloc (09022015). Collection method: clinical testing. Allele origin: germline.
Comment: This sequence change replaces alanine with valine at codon 765 of the FGFR3 protein (p.Ala765Val). The alanine residue is weakly conserved and there is a small physicochemical difference between alanine and valine. This variant is present in population databases (rs140211846, ExAC 0.09%). This variant has not been reported in the literature in individuals affected with FGFR3-related conditions. ClinVar contains an entry for this variant (Variation ID: 533891). Algorithms developed to predict the effect of missense changes on protein structure and function output the following: SIFT: "Tolerated"; PolyPhen-2: "Benign"; Align-GVGD: "Class C0". The valine amino acid residue is found in multiple mammalian species, which suggests that this missense change does not adversely affect protein function. Algorithms developed to predict the effect of sequence changes on RNA splicing suggest that this variant may create or strengthen a splice site. In summary, the available evidence is currently insufficient to determine the role of this variant in disease. Therefore, it has been classified as a Variant of Uncertain Significance.